The following is an entry in ClinVar:

NM_024753.5(TTC21B):c.2525G>C (p.Ser842Thr)

Gene: TTC21B (tetratricopeptide repeat domain 21B; minus strand). Cytogenetic location: 2q24.3.
Variant type: single nucleotide variant.
Coding change: c.2525G>C on transcript NM_024753.5 (MANE Select); coding-DNA position 2525, G replaced by C.
Protein change: p.Ser842Thr; replaces serine 842 with threonine.
Molecular consequence: missense variant.
Genome position (GRCh38, 1-based): chr2:165,907,721, C>G on the plus strand (G>C on the coding strand, the complement: TTC21B is on the minus strand). VCF-style: chr2-165907721-C-G. GRCh37 (hg19) VCF-style: chr2-166764231-C-G.
Other names: short protein forms S842T.
Identifiers: ClinVar variation 5002505 (VCV005002505.1).
Genomic context (GRCh38, chr2:165,907,721, plus strand): 5'-CAGACAAATGTGTTTACCTGTTGTAATGCAGTGATCGCATCACCAAGTTTTTCCATTTTA[C>G]TATAAACTTTTGCTAGAAGAACTTGACAACGTCCATCCTCCATGAGAGCTGACAGTTCAT-3'
Protein context (NP_079029.3, residues 832-852): RCQVLLAKVY[Ser842Thr]KMEKLGDAIT

ClinVar aggregate classification (germline): Uncertain significance (1 of 4 stars; one submission).

Conditions:
TTC21B-related disorder. Also called: TTC21B-related disorders; TTC21B-related condition.

Submission:

PreventionGenetics, part of Exact Sciences
Classification: Uncertain significance for TTC21B-related condition. Last evaluated: 2024-12-04. Review status: criteria provided, single submitter. Criteria: ACMG Guidelines, 2015. Collection method: clinical testing. Allele origin: germline.
Comment: The TTC21B c.2525G>C variant is predicted to result in the amino acid substitution p.Ser842Thr. To our knowledge, this variant has not been reported in the literature. This variant is reported in 0.013% of alleles in individuals of South Asian descent in gnomAD. At this time, the clinical significance of this variant is uncertain due to the absence of conclusive functional and genetic evidence.